The following is an entry in ClinVar:

ClinVar aggregate classification (germline): Uncertain significance (1 of 4 stars; one submission).

Conditions:
Ataxia-telangiectasia syndrome (AT). Also called: Cerebello-oculocutaneous telangiectasia; Immunodeficiency with ataxia telangiectasia; ATAXIA-TELANGIECTASIA, COMPLEMENTATION GROUP A; ATAXIA-TELANGIECTASIA, FRESNO VARIANT; LOUIS-BAR SYNDROME; Ataxia-telangiectasia, complementation group E. Identifiers: Orphanet 100, MedGen C0004135, MONDO:0008840, OMIM 208900.

Submission:

Labcorp Genetics (formerly Invitae), Labcorp
Classification: Uncertain significance for Ataxia-telangiectasia syndrome. Last evaluated: 2024-04-22. Review status: criteria provided, single submitter. Criteria: Invitae Variant Classification Sherloc (09022015). Collection method: clinical testing. Allele origin: germline.
Comment: This sequence change replaces histidine, which is basic and polar, with glutamine, which is neutral and polar, at codon 183 of the ATM protein (p.His183Gln). This variant is not present in population databases (gnomAD no frequency). This variant has not been reported in the literature in individuals affected with ATM-related conditions. ClinVar contains an entry for this variant (Variation ID: 1016937). An algorithm developed to predict the effect of missense changes on protein structure and function (PolyPhen-2) suggests that this variant is likely to be tolerated. In summary, the available evidence is currently insufficient to determine the role of this variant in disease. Therefore, it has been classified as a Variant of Uncertain Significance.

NM_000051.4(ATM):c.549T>G (p.His183Gln)

Gene: ATM (ATM serine/threonine kinase; plus strand). Cytogenetic location: 11q22.3.
Variant type: single nucleotide variant.
Coding change: c.549T>G on transcript NM_000051.4 (MANE Select); coding-DNA position 549, T replaced by G.
Protein change: p.His183Gln; replaces histidine 183 with glutamine.
Molecular consequence: missense variant.
Genome position (GRCh38, 1-based): chr11:108,244,005, T>G. VCF-style: chr11-108244005-T-G. GRCh37 (hg19) VCF-style: chr11-108114732-T-G.
Other names: c.549T>G, p.His183Gln (NM_001351834.2); short protein forms H183Q.
Identifiers: ClinVar variation 1016937 (VCV001016937.9), dbSNP rs1591499967, ClinGen allele CA382527692.